The following is an entry in ClinVar:

ClinVar aggregate classification (germline): Uncertain significance (1 of 4 stars; one submission).

Conditions:
Hereditary cancer-predisposing syndrome. Also called: Tumor predisposition; Hereditary neoplastic syndrome; Hereditary Cancer Syndrome; Neoplastic Syndromes, Hereditary. Identifiers: Orphanet 140162, MedGen C0027672, MeSH D009386, MONDO:0015356.

Submission:

Ambry Genetics
Classification: Uncertain significance for Hereditary cancer-predisposing syndrome. Last evaluated: 2023-09-30. Review status: criteria provided, single submitter. Criteria: Ambry Variant Classification Scheme 2023. Collection method: clinical testing. Allele origin: germline.
Comment: The p.D682E variant (also known as c.2046C>A), located in coding exon 7 of the AXIN2 gene, results from a C to A substitution at nucleotide position 2046. The aspartic acid at codon 682 is replaced by glutamic acid, an amino acid with highly similar properties. This amino acid position is conserved. In addition, this alteration is predicted to be deleterious by in silico analysis. Since supporting evidence is limited at this time, the clinical significance of this alteration remains unclear.

NM_004655.4(AXIN2):c.2046C>A (p.Asp682Glu)

Gene: AXIN2 (axin 2; minus strand). Cytogenetic location: 17q24.1.
Variant type: single nucleotide variant.
Coding change: c.2046C>A on transcript NM_004655.4 (MANE Select); coding-DNA position 2046, C replaced by A.
Protein change: p.Asp682Glu; replaces aspartic acid 682 with glutamic acid.
Molecular consequence: missense variant.
Genome position (GRCh38, 1-based): chr17:65,536,415, G>T on the plus strand (C>A on the coding strand, the complement: AXIN2 is on the minus strand). VCF-style: chr17-65536415-G-T. GRCh37 (hg19) VCF-style: chr17-63532533-G-T.
Other names: c.1851C>A, p.Asp617Glu (NM_001363813.1); short protein forms D617E, D682E.
Identifiers: ClinVar variation 3224389 (VCV003224389.1), dbSNP rs1180854491, ClinGen allele CA400676095.